The following is an entry in ClinVar:

ClinVar aggregate classification (germline): Benign/Likely benign. Review status: criteria provided, multiple submitters, no conflicts (2 of 4 stars). 3 submissions from 3 submitters: Benign (1); Likely benign (2). Last evaluated 2026-01-20.

Conditions:
Hereditary cancer-predisposing syndrome. Also called: Hereditary Cancer Syndrome; Neoplastic Syndromes, Hereditary; Tumor predisposition; Hereditary neoplastic syndrome. Identifiers: Orphanet 140162, MedGen C0027672, MeSH D009386, MONDO:0015356.
Hereditary diffuse gastric adenocarcinoma (HDGC). Also called: DIFFUSE GASTRIC AND LOBULAR BREAST CANCER SYNDROME. Identifiers: Orphanet 26106, MedGen C1708349, MONDO:0007648, OMIM 137215.

Submissions (3):

Labcorp Genetics (formerly Invitae), Labcorp
Classification: Likely benign. Last evaluated: 2026-01-20. Review status: criteria provided, single submitter. Criteria: Invitae Variant Classification Sherloc (09022015). Collection method: clinical testing. Allele origin: germline.

Ambry Genetics
Classification: Likely benign for Hereditary cancer-predisposing syndrome. Last evaluated: 2026-01-05. Review status: criteria provided, single submitter. Criteria: Ambry Variant Classification Scheme 2023. Collection method: clinical testing. Allele origin: germline.

Myriad Genetics, Inc.
Classification: Benign for Hereditary diffuse gastric adenocarcinoma. Last evaluated: 2024-10-11. Review status: criteria provided, single submitter. Criteria: Myriad Autosomal Dominant, Autosomal Recessive and X-Linked Classification Criteria (2023). Collection method: clinical testing. Allele origin: unknown.
Comment: This variant is considered benign. This variant is a silent/synonymous amino acid change and it is not expected to impact splicing.

NM_001903.5(CTNNA1):c.1194T>C (p.Asn398=)

Gene: CTNNA1 (catenin alpha 1; plus strand). Cytogenetic location: 5q31.2.
Variant type: single nucleotide variant.
Coding change: c.1194T>C on transcript NM_001903.5 (MANE Select); coding-DNA position 1194, T replaced by C.
Protein change: p.Asn398=; no amino-acid change (asparagine 398 retained).
Molecular consequence: synonymous variant. On other transcripts: 5 prime UTR variant (5), intron variant (2).
Genome position (GRCh38, 1-based): chr5:138,887,540, T>C. VCF-style: chr5-138887540-T-C. GRCh37 (hg19) VCF-style: chr5-138223229-T-C.
Other names: c.1194T>C (NM_001903.2); c.1194T>C, p.Asn398= (NM_001290307.3, NM_001323982.2, NM_001323983.1 and 3 more transcripts); c.885T>C, p.Asn295= (NM_001290309.3); c.825T>C, p.Asn275= (NM_001290310.3); c.84T>C, p.Asn28= (NM_001290312.1, NM_001323987.1, NM_001323988.1 and 18 more transcripts); c.-314T>C (NM_001324006.1, NM_001324007.1, NM_001324008.1 and 1 more transcripts); c.-189T>C (NM_001324013.1); c.-58+11943T>C (NM_001324012.1); and 1 more.
Identifiers: ClinVar variation 3773277 (VCV003773277.3).